The following is an entry in ClinVar:

NM_001036.6(RYR3):c.1321C>A (p.Gln441Lys)

Gene: RYR3 (ryanodine receptor 3; plus strand). Cytogenetic location: 15q14.
Variant type: single nucleotide variant.
Coding change: c.1321C>A on transcript NM_001036.6 (MANE Select); coding-DNA position 1321, C replaced by A.
Protein change: p.Gln441Lys; replaces glutamine 441 with lysine.
Molecular consequence: missense variant.
Genome position (GRCh38, 1-based): chr15:33,580,028, C>A. VCF-style: chr15-33580028-C-A. GRCh37 (hg19) VCF-style: chr15-33872229-C-A.
Other names: c.1321C>A, p.Gln441Lys (NM_001243996.4); short protein forms Q441K.
Identifiers: ClinVar variation 962817 (VCV000962817.10), dbSNP rs1353196691, ClinGen allele CA391568328.

ClinVar aggregate classification (germline): Uncertain significance (1 of 4 stars; one submission).

Conditions:
Epileptic encephalopathy. Identifiers: MedGen C0543888, HP:0200134.

Allele frequency attached by ClinVar (database versions not stated): gnomAD exomes below 0.00001; TOPMed below 0.00001.
gnomAD v4.1: 3 of 1,612,820 alleles (0.00019%); highest among the groups gnomAD compares: Non-Finnish European, 0.00025%; no homozygotes.

Submission:

Labcorp Genetics (formerly Invitae), Labcorp
Classification: Uncertain significance for Epileptic encephalopathy. Last evaluated: 2022-03-19. Review status: criteria provided, single submitter. Criteria: Invitae Variant Classification Sherloc (09022015). Collection method: clinical testing. Allele origin: germline.
Comment: This sequence change replaces glutamine, which is neutral and polar, with lysine, which is basic and polar, at codon 441 of the RYR3 protein (p.Gln441Lys). This variant is present in population databases (no rsID available, gnomAD 0.0009%). This variant has not been reported in the literature in individuals affected with RYR3-related conditions. ClinVar contains an entry for this variant (Variation ID: 962817). Algorithms developed to predict the effect of missense changes on protein structure and function are either unavailable or do not agree on the potential impact of this missense change (SIFT: "Deleterious"; PolyPhen-2: "Benign"; Align-GVGD: "Class C0"). In summary, the available evidence is currently insufficient to determine the role of this variant in disease. Therefore, it has been classified as a Variant of Uncertain Significance.